The following is an entry in ClinVar:

ClinVar aggregate classification (germline): Likely pathogenic (1 of 4 stars; one submission).

Conditions:
Congenital secretory diarrhea, chloride type (DIAR1). Also called: DIARRHEA 1, SECRETORY CHLORIDE, CONGENITAL; CHLORIDE DIARRHEA, CONGENITAL, FINNISH TYPE; CHLORIDORRHEA, CONGENITAL. Identifiers: Orphanet 53689, MedGen C0267662, MONDO:0008964, OMIM 214700.

Submission:

3billion
Classification: Likely pathogenic for Congenital secretory diarrhea, chloride type. Last evaluated: 2021-10-02. Review status: criteria provided, single submitter. Criteria: ACMG Guidelines, 2015. Collection method: clinical testing. Allele origin: paternal. Affected: yes. Observed: 1 heterozygote.
Comment: The variant was observed in trans with a pathogenic variant (NM_000111.2: c.2063-1G>T) as compound heterozygous (3billion dataset, PM3). It is not observed in the gnomAD v2.1.1 dataset (PM2). In silico tool predictions suggest damaging effect of the variant on gene or gene product (REVEL: 0.796, PP3). Patient's phenotype is considered compatible with Diarrhea 1, secretory chloride, congenital (3billion dataset, PP4). Therefore, this variant is classified as likely pathogenic according to the recommendation of ACMG/AMP guideline.

NM_000111.3(SLC26A3):c.1307A>G (p.Gln436Arg)

Gene: SLC26A3 (solute carrier family 26 member 3; minus strand). Cytogenetic location: 7q22.3.
Variant type: single nucleotide variant.
Coding change: c.1307A>G on transcript NM_000111.3 (MANE Select); coding-DNA position 1307, A replaced by G.
Protein change: p.Gln436Arg; replaces glutamine 436 with arginine.
Molecular consequence: missense variant.
Genome position (GRCh38, 1-based): chr7:107,782,801, T>C on the plus strand (A>G on the coding strand, the complement: SLC26A3 is on the minus strand). VCF-style: chr7-107782801-T-C. GRCh37 (hg19) VCF-style: chr7-107423246-T-C.
Other names: short protein forms Q436R.
Identifiers: ClinVar variation 1320137 (VCV001320137.1), dbSNP rs1203528953, ClinGen allele CA368851556.